The following is an entry in ClinVar:

ClinVar aggregate classification (germline): Likely pathogenic (1 of 4 stars; one submission).

Conditions:
Neurofibromatosis, type 1 (NF1). Also called: VON RECKLINGHAUSEN DISEASE; NEUROFIBROMATOSIS, TYPE I, SOMATIC; Neurofibromatosis, type I; Peripheral type neurofibromatosis. Identifiers: Orphanet 636, MedGen C0027831, MONDO:0018975, OMIM 162200. Disease mechanism: loss of function.

Submission:

Labcorp Genetics (formerly Invitae), Labcorp
Classification: Likely pathogenic for Neurofibromatosis, type 1. Last evaluated: 2023-01-31. Review status: criteria provided, single submitter. Criteria: Invitae Variant Classification Sherloc (09022015). Collection method: clinical testing. Allele origin: germline.
Comment: In summary, the currently available evidence indicates that the variant is pathogenic, but additional data are needed to prove that conclusively. Therefore, this variant has been classified as Likely Pathogenic. Studies have shown that this variant results in skipping of exon 22 and introduces a premature termination codon (Invitae). The resulting mRNA is expected to undergo nonsense-mediated decay. This variant has not been reported in the literature in individuals affected with NF1-related conditions. This variant is not present in population databases (gnomAD no frequency). This variant results in the deletion of part of exon 22 (c.2851-1_2857del) of the NF1 gene. RNA analysis indicates that this variant induces altered splicing and may result in an absent or disrupted protein product.

NM_001042492.3(NF1):c.2851-1_2857del

Gene: NF1 (neurofibromin 1; plus strand). Cytogenetic location: 17q11.2.
Variant type: Deletion.
Coding change: c.2851-1_2857del on transcript NM_001042492.3 (MANE Select); the canonical splice acceptor site of the intron before coding-DNA position 2851 through coding-DNA position 2857, 8 bases deleted (GGTTTTAT; older notation c.2851-1_2857delGGTTTTAT).
Molecular consequence: splice acceptor variant.
Genome position (GRCh38, 1-based): chr17:31,229,834-31,229,841, GGTTTTAT deleted. VCF-style (leftmost placement, unchanged base first): chr17-31229833-AGGTTTTAT-A. GRCh37 (hg19) VCF-style: chr17-29556851-AGGTTTTAT-A.
Other names: c.2851-1_2857del (NM_000267.4).
Identifiers: ClinVar variation 2833064 (VCV002833064.3), dbSNP rs2508196153, ClinGen allele CA2739267363.